The following is an entry in ClinVar:

ClinVar aggregate classification (germline): Uncertain significance (1 of 4 stars; one submission).

Submission:

Labcorp Genetics (formerly Invitae), Labcorp
Classification: Uncertain significance. Last evaluated: 2025-07-30. Review status: criteria provided, single submitter. Criteria: Invitae Variant Classification Sherloc (09022015). Collection method: clinical testing. Allele origin: germline.
Comment: This sequence change falls in intron 18 of the LZTR1 gene. It does not directly change the encoded amino acid sequence of the LZTR1 protein. It affects a nucleotide within the consensus splice site. This variant is not present in population databases (gnomAD no frequency). This variant has not been reported in the literature in individuals affected with LZTR1-related conditions. ClinVar contains an entry for this variant (Variation ID: 2971995). Variants that disrupt the consensus splice site are a relatively common cause of aberrant splicing (PMID: 17576681, 9536098). Algorithms developed to predict the effect of sequence changes on RNA splicing suggest that this variant may disrupt the consensus splice site. In summary, the available evidence is currently insufficient to determine the role of this variant in disease. Therefore, it has been classified as a Variant of Uncertain Significance.

Literature cited by the submitters: PubMed 17576681; PubMed 9536098.

NM_006767.4(LZTR1):c.2219+6C>T

Gene: LZTR1 (leucine zipper like post translational regulator 1; plus strand). Cytogenetic location: 22q11.21.
Variant type: single nucleotide variant.
Coding change: c.2219+6C>T on transcript NM_006767.4 (MANE Select); 6 bases into the intron after coding-DNA position 2219, C replaced by T.
Molecular consequence: intron variant.
Genome position (GRCh38, 1-based): chr22:20,996,118, C>T. VCF-style: chr22-20996118-C-T. GRCh37 (hg19) VCF-style: chr22-21350407-C-T.
Identifiers: ClinVar variation 2971995 (VCV002971995.3), dbSNP rs766292249, ClinGen allele CA322271366.